The following is an entry in ClinVar:

NM_016529.6(ATP8A2):c.*5T>C

Gene: ATP8A2 (ATPase phospholipid transporting 8A2). Cytogenetic location: 13q12.13.
Variant type: single nucleotide variant.
Coding change: c.*5T>C on transcript NM_016529.6 (MANE Select); 5 bases downstream of the stop codon, T replaced by C.
Molecular consequence: 3 prime UTR variant.
Genome position (GRCh38, 1-based): chr13:26,019,990, T>C. VCF-style: chr13-26019990-T-C. GRCh37 (hg19) VCF-style: chr13-26594128-T-C.
Other names: c.*5T>C (NM_001313741.1, NM_001411005.1).
Identifiers: ClinVar variation 4683785 (VCV004683785.1).

ClinVar aggregate classification (germline): Benign (1 of 4 stars; one submission).

gnomAD v4.1: 1,988 of 1,586,546 alleles (0.13%); highest among the groups gnomAD compares: African/African-American, 2.4%; 27 homozygotes.

Submission:

Mayo Clinic Laboratories, Mayo Clinic
Classification: Benign. Last evaluated: 2024-04-03. Review status: criteria provided, single submitter. Criteria: ACMG Guidelines, 2015. Collection method: clinical testing. Allele origin: germline. Observed: 2 variant alleles.
Comment: BS1, BS2